The following is an entry in ClinVar:

ClinVar aggregate classification (germline): Likely benign. Review status: criteria provided, multiple submitters, no conflicts (2 of 4 stars). 3 submissions from 3 submitters: Likely benign (3). Last evaluated 2025-09-26.

Conditions:
USH2A-related disorder. Also called: USH2A-related disorders; USH2A-related condition. Identifiers: MedGen CN239332.

Allele frequency attached by ClinVar (database versions not stated): TOPMed below 0.00001; gnomAD 0.00001; gnomAD exomes 0.00001 and 0.00003.
gnomAD v4.1: 44 of 1,612,780 alleles (0.0027%); highest among the groups gnomAD compares: Non-Finnish European, 0.0036%; no homozygotes.

Submissions (3):

PreventionGenetics, part of Exact Sciences
Classification: Likely benign for USH2A-related condition. Last evaluated: 2025-09-26. Review status: criteria provided, single submitter. Criteria: ACMG Guidelines, 2015. Collection method: clinical testing. Allele origin: germline.
Comment: This variant is classified as likely benign based on ACMG/AMP sequence variant interpretation guidelines (Richards et al. 2015 PMID: 25741868, with internal and published modifications).

Blueprint Genetics
Classification: Likely benign. Last evaluated: 2024-09-14. Review status: criteria provided, single submitter. Criteria: ACMG Guidelines, 2015. Collection method: clinical testing. Allele origin: germline.

Labcorp Genetics (formerly Invitae), Labcorp
Classification: Likely benign. Last evaluated: 2024-06-30. Review status: criteria provided, single submitter. Criteria: Invitae Variant Classification Sherloc (09022015). Collection method: clinical testing. Allele origin: germline.

NM_206933.4(USH2A):c.9055+9A>G

Gene: USH2A (usherin; minus strand). Cytogenetic location: 1q41.
Variant type: single nucleotide variant.
Coding change: c.9055+9A>G on transcript NM_206933.4 (MANE Select); 9 bases into the intron after coding-DNA position 9055, A replaced by G.
Molecular consequence: intron variant.
Genome position (GRCh38, 1-based): chr1:215,845,815, T>C on the plus strand (A>G on the coding strand, the complement: USH2A is on the minus strand). VCF-style: chr1-215845815-T-C. GRCh37 (hg19) VCF-style: chr1-216019157-T-C.
Other names: c.9055+9A>G (NM_206933.2).
Identifiers: ClinVar variation 1094114 (VCV001094114.11), dbSNP rs1222457564, ClinGen allele CA528713420.